The following is an entry in ClinVar:

ClinVar aggregate classification (germline): Benign. Review status: criteria provided, multiple submitters, no conflicts (2 of 4 stars). 3 submissions from 3 submitters: Benign (3). Last evaluated 2018-06-26.

Conditions:
Congenital adrenal hyperplasia due to cytochrome P450 oxidoreductase deficiency. Also called: DISORDERED STEROIDOGENESIS DUE TO POR DEFICIENCY. Identifiers: Orphanet 95699, MedGen C1860042, MONDO:0013310, OMIM 613571.

Allele frequency attached by ClinVar (database versions not stated): TOPMed 0.23878; 1000 Genomes Project 30x 0.26343; 1000 Genomes Project 0.26877.
gnomAD v4.1: 160,845 of 574,552 alleles (28%); highest among the groups gnomAD compares: East Asian, 36%; 23,649 homozygotes.

Submissions (3):

GeneDx
Classification: Benign. Last evaluated: 2018-06-26. Review status: criteria provided, single submitter. Criteria: GeneDx Variant Classification Process June 2021. Collection method: clinical testing. Allele origin: germline. Affected: yes.

Illumina Laboratory Services, Illumina
Classification: Benign for Congenital adrenal hyperplasia due to cytochrome P450 oxidoreductase deficiency. Last evaluated: 2018-01-12. Review status: criteria provided, single submitter. Criteria: ICSL Variant Classification Criteria 13 December 2019. Collection method: clinical testing. Allele origin: germline.
Comment: This variant was observed in the ICSL laboratory as part of a predisposition screen in an ostensibly healthy population. It had not been previously curated by ICSL or reported in the Human Gene Mutation Database (HGMD: prior to June 1st, 2018), and was therefore a candidate for classification through an automated scoring system. Utilizing variant allele frequency, disease prevalence and penetrance estimates, and inheritance mode, an automated score was calculated to assess if this variant is too frequent to cause the disease. Based on the score and internal cut-off values, a variant classified as benign is not then subjected to further curation. The score for this variant resulted in a classification of benign for this disease.

Breakthrough Genomics
Classification: Benign. Review status: criteria provided, single submitter. Criteria: ACMG Guidelines, 2015. Collection method: not provided. Allele origin: germline. Inheritance: Autosomal recessive inheritance. Affected: yes.

NM_001395413.1(POR):c.*306G>A

Gene: POR (cytochrome p450 oxidoreductase; plus strand). Cytogenetic location: 7q11.23.
Variant type: single nucleotide variant.
Coding change: c.*306G>A on transcript NM_001395413.1 (MANE Select); 306 bases downstream of the stop codon, G replaced by A.
Molecular consequence: 3 prime UTR variant.
Genome position (GRCh38, 1-based): chr7:75,986,787, G>A. VCF-style: chr7-75986787-G-A. GRCh37 (hg19) VCF-style: chr7-75616105-G-A.
Other names: c.*306G>A (NM_001367562.3, NM_001382655.3, NM_001382657.2 and 3 more transcripts).
Identifiers: ClinVar variation 360731 (VCV000360731.8), dbSNP rs17685, ClinGen allele CA10624279.